The following is an entry in ClinVar:

NM_014112.5(TRPS1):c.2038T>A (p.Ser680Thr)

Gene: TRPS1 (transcriptional repressor GATA binding 1; minus strand). Cytogenetic location: 8q23.3.
Variant type: single nucleotide variant.
Coding change: c.2038T>A on transcript NM_014112.5 (MANE Select); coding-DNA position 2038, T replaced by A.
Protein change: p.Ser680Thr; replaces serine 680 with threonine.
Molecular consequence: missense variant.
Genome position (GRCh38, 1-based): chr8:115,603,931, A>T on the plus strand (T>A on the coding strand, the complement: TRPS1 is on the minus strand). VCF-style: chr8-115603931-A-T. GRCh37 (hg19) VCF-style: chr8-116616158-A-T.
Other names: c.2011T>A, p.Ser671Thr (NM_001282902.3); c.2017T>A, p.Ser673Thr (NM_001282903.3); c.1999T>A, p.Ser667Thr (NM_001330599.2); short protein forms S667T, S673T, S680T, S671T.
Identifiers: ClinVar variation 4787746 (VCV004787746.1).

ClinVar aggregate classification (germline): Uncertain significance (1 of 4 stars; one submission).

Conditions:
Trichorhinophalangeal dysplasia type I (TRPS1). Also called: TRICHORHINOPHALANGEAL SYNDROME, TYPE I; TRPS I. Identifiers: Orphanet 77258, MedGen C0432233, MONDO:0008596, OMIM 190350.
Trichorhinophalangeal syndrome, type III (TRPS3). Also called: SUGIO-KAJII SYNDROME. Identifiers: Orphanet 77258, MedGen C1860823, OMIM 190351, MONDO:0008597.

Submission:

Labcorp Genetics (formerly Invitae), Labcorp
Classification: Uncertain significance for Trichorhinophalangeal syndrome, type III; Trichorhinophalangeal dysplasia type I. Last evaluated: 2025-02-13. Review status: criteria provided, single submitter. Criteria: Invitae Variant Classification Sherloc (09022015). Collection method: clinical testing. Allele origin: germline.
Comment: This sequence change replaces serine, which is neutral and polar, with threonine, which is neutral and polar, at codon 680 of the TRPS1 protein (p.Ser680Thr). This variant is not present in population databases (gnomAD no frequency). This variant has not been reported in the literature in individuals affected with TRPS1-related conditions. Invitae Evidence Modeling of protein sequence and biophysical properties (such as structural, functional, and spatial information, amino acid conservation, physicochemical variation, residue mobility, and thermodynamic stability) indicates that this missense variant is not expected to disrupt TRPS1 protein function with a negative predictive value of 80%. In summary, the available evidence is currently insufficient to determine the role of this variant in disease. Therefore, it has been classified as a Variant of Uncertain Significance.